The following is an entry in ClinVar:

ClinVar aggregate classification (germline): Likely benign. Review status: criteria provided, multiple submitters, no conflicts (2 of 4 stars). 7 submissions from 7 submitters: Likely benign (7). Last evaluated 2026-03-01.

Conditions:
Cardiovascular phenotype. Identifiers: MedGen CN230736.
Hypertrophic cardiomyopathy 26. Also called: Cardiomyopathy, familial hypertrophic, 26. Identifiers: Orphanet 75249, MedGen C4310749, MONDO:0014883, OMIM 617047.
Myofibrillar myopathy 5. Also called: Filaminopathy (type); FILAMINOPATHY, AUTOSOMAL DOMINANT. Identifiers: Orphanet 171445, MedGen C1836050, MONDO:0012289, OMIM 609524.
Distal myopathy with posterior leg and anterior hand involvement. Also called: WILLIAMS DISTAL MYOPATHY. Identifiers: Orphanet 63273, MedGen C3279722, MONDO:0013550, OMIM 614065.

Allele frequency attached by ClinVar (database versions not stated): gnomAD 0.00001 and 0.00002; ExAC 0.00002; TOPMed 0.00003; gnomAD exomes 0.00004 and 0.00007; 1000 Genomes Project 30x 0.00016.
gnomAD v4.1: 60 of 1,614,114 alleles (0.0037%); highest among the groups gnomAD compares: Admixed American, 0.033%; no homozygotes.

Submissions (7):

CeGaT Center for Human Genetics Tuebingen
Classification: Likely benign. Last evaluated: 2026-03-01. Review status: criteria provided, single submitter. Criteria: CeGaT Center For Human Genetics Tuebingen Variant Classification Criteria Version 2. Collection method: clinical testing. Allele origin: germline. Affected: yes. Observed: 1 variant allele.
Comment: FLNC: BP4, BP7

Labcorp Genetics (formerly Invitae), Labcorp
Classification: Likely benign for Distal myopathy with posterior leg and anterior hand involvement; Myofibrillar myopathy 5; Hypertrophic cardiomyopathy 26. Last evaluated: 2025-12-03. Review status: criteria provided, single submitter. Criteria: Invitae Variant Classification Sherloc (09022015). Collection method: clinical testing. Allele origin: germline.

Molecular Diagnostic Laboratory for Inherited Cardiovascular Disease, Montreal Heart Institute
Classification: Likely benign. Last evaluated: 2025-04-09. Review status: criteria provided, single submitter. Criteria: ACMG Guidelines, 2015. Collection method: clinical testing. Allele origin: germline. Affected: no.

Mayo Clinic Laboratories, Mayo Clinic
Classification: Likely benign. Last evaluated: 2025-02-05. Review status: criteria provided, single submitter. Criteria: ACMG Guidelines, 2015. Collection method: clinical testing. Allele origin: germline. Observed: 1 variant allele.
Comment: BP4, BP7

Blueprint Genetics
Classification: Likely benign. Last evaluated: 2024-04-22. Review status: criteria provided, single submitter. Criteria: ACMG Guidelines, 2015. Collection method: clinical testing. Allele origin: germline.

Ambry Genetics
Classification: Likely benign for Cardiovascular phenotype. Last evaluated: 2023-09-22. Review status: criteria provided, single submitter. Criteria: Ambry Variant Classification Scheme 2023. Collection method: clinical testing. Allele origin: germline.

GeneDx
Classification: Likely benign. Last evaluated: 2020-09-28. Review status: criteria provided, single submitter. Criteria: GeneDx Variant Classification Process June 2021. Collection method: clinical testing. Allele origin: germline. Affected: yes.

NM_001458.5(FLNC):c.7485C>T (p.Arg2495=)

Genes: FLNC (filamin C; plus strand), FLNC-AS1 (FLNC antisense RNA 1; minus strand). Cytogenetic location: 7q32.1.
Variant type: single nucleotide variant.
Coding change: c.7485C>T on transcript NM_001458.5 (MANE Select); coding-DNA position 7485, C replaced by T.
Protein change: p.Arg2495=; no amino-acid change (arginine 2495 retained).
Molecular consequence: synonymous variant.
Genome position (GRCh38, 1-based): chr7:128,856,845, C>T. VCF-style: chr7-128856845-C-T. GRCh37 (hg19) VCF-style: chr7-128496899-C-T.
Other names: p.Arg2495=; c.7386C>T, p.Arg2462= (NM_001127487.2).
Identifiers: ClinVar variation 704536 (VCV000704536.21), dbSNP rs781056503, ClinGen allele CA4476281.